The following is an entry in ClinVar:

ClinVar aggregate classification (germline): Uncertain significance. Review status: criteria provided, multiple submitters, no conflicts (2 of 4 stars). 3 submissions from 3 submitters: Uncertain significance (3). Last evaluated 2025-02-19.

Conditions:
Goldberg-Shprintzen syndrome. Identifiers: Orphanet 66629, MedGen C1836123, MONDO:0012280, OMIM 609460.

Allele frequency attached by ClinVar (database versions not stated): gnomAD exomes 0.00001 and 0.00004; ExAC 0.00008; 1000 Genomes Project 30x 0.00016; gnomAD 0.00019 and 0.00020; TOPMed 0.00019; 1000 Genomes Project 0.00020; ESP Exome Variant Server 0.00023.
gnomAD v4.1: 44 of 1,613,964 alleles (0.0027%); highest among the groups gnomAD compares: African/African-American, 0.055%; no homozygotes.

Submissions (3):

Ambry Genetics
Classification: Uncertain significance. Last evaluated: 2025-02-19. Review status: criteria provided, single submitter. Criteria: Ambry Variant Classification Scheme 2023. Collection method: clinical testing. Allele origin: germline.

GeneDx
Classification: Uncertain significance. Last evaluated: 2024-03-08. Review status: criteria provided, single submitter. Criteria: GeneDx Variant Classification Process June 2021. Collection method: clinical testing. Allele origin: germline. Affected: yes.
Comment: In silico analysis supports that this missense variant has a deleterious effect on protein structure/function; Has not been previously published as pathogenic or benign to our knowledge

Fulgent Genetics
Classification: Uncertain significance for Goldberg-Shprintzen syndrome. Last evaluated: 2021-10-29. Review status: criteria provided, single submitter. Criteria: ACMG Guidelines, 2015. Collection method: clinical testing. Allele origin: unknown.

NM_015634.4(KIFBP):c.901G>A (p.Glu301Lys)

Gene: KIFBP (kinesin family binding protein; plus strand). Cytogenetic location: 10q22.1.
Variant type: single nucleotide variant.
Coding change: c.901G>A on transcript NM_015634.4 (MANE Select); coding-DNA position 901, G replaced by A.
Protein change: p.Glu301Lys; replaces glutamic acid 301 with lysine.
Molecular consequence: missense variant.
Genome position (GRCh38, 1-based): chr10:69,010,926, G>A. VCF-style: chr10-69010926-G-A. GRCh37 (hg19) VCF-style: chr10-70770682-G-A.
Other names: short protein forms E301K.
Identifiers: ClinVar variation 1313916 (VCV001313916.5), dbSNP rs149809657, ClinGen allele CA5529793.
Genomic context (GRCh38, chr10:69,010,926, plus strand): 5'-CCATTAACTTAAACAAATCACATGTATATTTTAGCTCCTGAAGCTGAAGGAGAAGTGCCA[G>A]AGCTTTATCATCAAAGAAAGGGGGAAATAGCAAGGTGCTGGATCAAATACTGTTTGACTC-3'
Protein context (NP_056449.1, residues 291-311): DTPEAEGEVP[Glu301Lys]LYHQRKGEIA